The following is an entry in ClinVar:

NM_000202.8(IDS):c.670G>A (p.Gly224Arg)

Genes: IDS (iduronate 2-sulfatase; minus strand), LOC106050102 (IDS recombination region; plus strand). Cytogenetic location: Xq28.
Variant type: single nucleotide variant.
Coding change: c.670G>A on transcript NM_000202.8 (MANE Select); coding-DNA position 670, G replaced by A.
Protein change: p.Gly224Arg; replaces glycine 224 with arginine.
Molecular consequence: missense variant. On other transcripts: non-coding transcript variant (1).
Genome position (GRCh38, 1-based): chrX:149,498,145, C>T on the plus strand (G>A on the coding strand, the complement: IDS is on the minus strand). VCF-style: chrX-149498145-C-T. GRCh37 (hg19) VCF-style: chrX-148579676-C-T.
Other names: c.400G>A, p.Gly134Arg (NM_001166550.4); c.670G>A, p.Gly224Arg (NM_006123.5); short protein forms G134R, G224R.
Identifiers: ClinVar variation 928995 (VCV000928995.13), dbSNP rs2089450754, ClinGen allele CA414522214.

ClinVar aggregate classification (germline): Conflicting classifications of pathogenicity. Review status: criteria provided, conflicting classifications (1 of 4 stars). 3 submissions from 3 submitters: Pathogenic (1); Likely pathogenic (1); Uncertain significance (1). Last evaluated 2025-10-24.

Conditions:
Mucopolysaccharidosis, MPS-II (MPS2). Also called: Attenuated MPS (subtype; formerly known as mild MPS II); Severe MPS II; I2S deficiency; MPS 2; Hunter Syndrome; Mucopolysaccharidosis with skin involvement. Identifiers: Orphanet 580, Orphanet 79388, MedGen C0026705, MONDO:0010674, OMIM 309900.

Submissions (6):

Women's Health and Genetics/Laboratory Corporation of America, LabCorp
Classification: Uncertain significance. Last evaluated: 2025-10-24. Review status: criteria provided, single submitter. Criteria: LabCorp Variant Classification Summary - May 2015. Collection method: clinical testing. Allele origin: germline.
Comment: Variant summary: IDS c.670G>A (p.Gly224Arg) results in a non-conservative amino acid change in the encoded protein sequence. Algorithms developed to predict the effect of missense changes on protein structure and function all suggest that this variant is likely to be disruptive. The variant was absent in 183383 control chromosomes. The available data on variant occurrences in the general population are insufficient to allow any conclusion about variant significance. c.670G>A has been observed in at least 1 biallelic individual(s) affected with Mucopolysaccharidosis Type II (Hunter Syndrome) (example, Labcorp Genetics (formerly Invitae)). These data do not allow any conclusion about variant significance. To our knowledge, no experimental evidence demonstrating an impact on protein function has been reported. The following publications have been ascertained in the context of this evaluation (PMID: 27246110, internal data). ClinVar contains an entry for this variant (Variation ID: 928995). Based on the evidence outlined above, the variant was classified as uncertain significance.

Labcorp Genetics (formerly Invitae), Labcorp
Classification: Pathogenic for Mucopolysaccharidosis, MPS-II. Last evaluated: 2025-10-01. Review status: criteria provided, single submitter. Criteria: Invitae Variant Classification Sherloc (09022015). Collection method: clinical testing. Allele origin: germline.
Comment: This sequence change replaces glycine, which is neutral and non-polar, with arginine, which is basic and polar, at codon 224 of the IDS protein (p.Gly224Arg). This variant is not present in population databases (gnomAD no frequency). This missense change has been observed in individual(s) with mucopolysaccharidosis II (PMID: 27246110; internal data). ClinVar contains an entry for this variant (Variation ID: 928995). Invitae Evidence Modeling of protein sequence and biophysical properties (such as structural, functional, and spatial information, amino acid conservation, physicochemical variation, residue mobility, and thermodynamic stability) indicates that this missense variant is expected to disrupt IDS protein function with a positive predictive value of 95%. Algorithms developed to predict the effect of sequence changes on RNA splicing suggest that this variant may disrupt the consensus splice site. This variant disrupts the p.Gly224 amino acid residue in IDS. Other variant(s) that disrupt this residue have been observed in individuals with IDS-related conditions (PMID: 9921913, 22990955), which suggests that this may be a clinically significant amino acid residue. For these reasons, this variant has been classified as Pathogenic.

Genome-Nilou Lab
Classification: Likely pathogenic for Mucopolysaccharidosis, MPS-II. Last evaluated: 2021-09-05. Review status: criteria provided, single submitter. Criteria: ACMG Guidelines, 2015. Collection method: clinical testing. Allele origin: germline. Affected: no.

Dr. Peter K. Rogan Lab, Western University
No classification provided (evidence only). Condition: Thyroid cancer, nonmedullary, 1. Review status: no classification provided. Collection method: in vitro. Allele origin: not applicable. Functional consequence: retained intron. Not counted in ClinVar's aggregate classification.

Dr. Peter K. Rogan Lab, Western University
No classification provided (evidence only). Condition: Thyroid cancer, nonmedullary, 1. Review status: no classification provided. Collection method: in vitro. Allele origin: not applicable. Functional consequence: retained intron. Not counted in ClinVar's aggregate classification.

Dr. Peter K. Rogan Lab, Western University
No classification provided (evidence only). Condition: Nonpapillary renal cell carcinoma. Review status: no classification provided. Collection method: in vitro. Allele origin: not applicable. Functional consequence: cryptic splice site, retained intron. Not counted in ClinVar's aggregate classification.

Literature cited by the submitters: PubMed 27246110 (cited by Women's Health and Genetics/Laboratory Corporation of America, LabCorp and Labcorp Genetics (formerly Invitae), Labcorp); PubMed 9921913 (cited by Labcorp Genetics (formerly Invitae), Labcorp); PubMed 22990955 (cited by Labcorp Genetics (formerly Invitae), Labcorp).